The following is an entry in ClinVar:

ClinVar aggregate classification (germline): Uncertain significance. Review status: criteria provided, multiple submitters, no conflicts (2 of 4 stars). 3 submissions from 3 submitters: Uncertain significance (3). Last evaluated 2026-02-04.

Conditions:
Dilated cardiomyopathy 1GG (CMD1GG). Identifiers: Orphanet 154, MedGen C3150898, MONDO:0013339, OMIM 613642.
Pheochromocytoma/paraganglioma syndrome 5. Also called: Paragangliomas 5; SDHA-Related Hereditary Paraganglioma-Pheochromocytoma Syndrome. Identifiers: Orphanet 29072, MedGen C3279992, MONDO:0013602, OMIM 614165.
Mitochondrial complex II deficiency, nuclear type 1. Also called: SUCCINATE CoQ REDUCTASE DEFICIENCY. Identifiers: Orphanet 3208, MedGen C5700310, MONDO:0100294, OMIM 252011.
Hereditary cancer-predisposing syndrome. Also called: Hereditary neoplastic syndrome; Neoplastic Syndromes, Hereditary; Tumor predisposition; Hereditary Cancer Syndrome. Identifiers: Orphanet 140162, MedGen C0027672, MeSH D009386, MONDO:0015356.

Submissions (3):

Ambry Genetics
Classification: Uncertain significance for Hereditary cancer-predisposing syndrome. Last evaluated: 2026-02-04. Review status: criteria provided, single submitter. Criteria: Ambry Variant Classification Scheme 2023. Collection method: clinical testing. Allele origin: germline.
Comment: The p.A444D variant (also known as c.1331C>A), located in coding exon 10 of the SDHA gene, results from a C to A substitution at nucleotide position 1331. The alanine at codon 444 is replaced by aspartic acid, an amino acid with dissimilar properties. This amino acid position is highly conserved in available vertebrate species. In addition, this alteration is predicted to be deleterious by in silico analysis. Based on the available evidence, the clinical significance of this variant remains unclear.

Labcorp Genetics (formerly Invitae), Labcorp
Classification: Uncertain significance for Pheochromocytoma/paraganglioma syndrome 5; Mitochondrial complex II deficiency, nuclear type 1. Last evaluated: 2024-07-30. Review status: criteria provided, single submitter. Criteria: Invitae Variant Classification Sherloc (09022015). Collection method: clinical testing. Allele origin: germline.
Comment: This sequence change replaces alanine, which is neutral and non-polar, with aspartic acid, which is acidic and polar, at codon 444 of the SDHA protein (p.Ala444Asp). This variant is not present in population databases (gnomAD no frequency). This variant has not been reported in the literature in individuals affected with SDHA-related conditions. Advanced modeling of protein sequence and biophysical properties (such as structural, functional, and spatial information, amino acid conservation, physicochemical variation, residue mobility, and thermodynamic stability) has been performed at Invitae for this missense variant, however the output from this modeling did not meet the statistical confidence thresholds required to predict the impact of this variant on SDHA protein function. In summary, the available evidence is currently insufficient to determine the role of this variant in disease. Therefore, it has been classified as a Variant of Uncertain Significance.

Baylor Genetics
Classification: Uncertain significance for Dilated cardiomyopathy 1GG. Last evaluated: 2023-09-28. Review status: criteria provided, single submitter. Criteria: ACMG Guidelines, 2015. Collection method: clinical testing. Allele origin: unknown.

NM_004168.4(SDHA):c.1331C>A (p.Ala444Asp)

Gene: SDHA (succinate dehydrogenase complex flavoprotein subunit A; plus strand). Cytogenetic location: 5p15.33.
Variant type: single nucleotide variant.
Coding change: c.1331C>A on transcript NM_004168.4 (MANE Select); coding-DNA position 1331, C replaced by A.
Protein change: p.Ala444Asp; replaces alanine 444 with aspartic acid.
Molecular consequence: missense variant.
Genome position (GRCh38, 1-based): chr5:236,498, C>A. VCF-style: chr5-236498-C-A. GRCh37 (hg19) VCF-style: chr5-236613-C-A.
Other names: c.1187C>A, p.Ala396Asp (NM_001294332.2); c.1331C>A, p.Ala444Asp (NM_001330758.2); c.1331C>A (NM_004168.2); short protein forms A396D, A444D.
Identifiers: ClinVar variation 2678610 (VCV002678610.4), dbSNP rs2126589887, ClinGen allele CA359013947.
Genomic context (GRCh38, chr5:236,498, plus strand): 5'-ACGTGAATGGCCAGGATCAGATTGTGCCCGGCCTGTACGCCTGTGGGGAGGCCGCCTGTG[C>A]CTCGGTACATGGTGCCAACCGCCTCGGGGCAAACTCGCTCTTGGACCTGGTTGTCTTTGG-3'
Protein context (NP_004159.2, residues 434-454): GLYACGEAAC[Ala444Asp]SVHGANRLGA